The following is an entry in ClinVar:

ClinVar aggregate classification (germline): Uncertain significance. Review status: criteria provided, multiple submitters, no conflicts (2 of 4 stars). 2 submissions from 2 submitters: Uncertain significance (2). Last evaluated 2022-03-04.

Conditions:
Congenital muscular dystrophy due to integrin alpha-7 deficiency. Also called: MYOPATHY, CONGENITAL, DUE TO INTEGRIN ALPHA-7 DEFICIENCY; Congenital muscular dystrophy with integrin alpha-7 deficiency; Muscular dystrophy, congenital, due to ITGA7 deficiency. Identifiers: Orphanet 34520, MedGen C2750786, MONDO:0013177, OMIM 613204.

Allele frequency attached by ClinVar (database versions not stated): gnomAD 0.00001; TOPMed 0.00001; ExAC 0.00002; gnomAD exomes 0.00002.
gnomAD v4.1: 26 of 1,613,566 alleles (0.0016%); highest among the groups gnomAD compares: African/African-American, 0.0027%; no homozygotes.

Submissions (2):

Labcorp Genetics (formerly Invitae), Labcorp
Classification: Uncertain significance for Congenital muscular dystrophy due to integrin alpha-7 deficiency. Last evaluated: 2022-03-04. Review status: criteria provided, single submitter. Criteria: Invitae Variant Classification Sherloc (09022015). Collection method: clinical testing. Allele origin: germline.
Comment: Algorithms developed to predict the effect of missense changes on protein structure and function are either unavailable or do not agree on the potential impact of this missense change (SIFT: "Tolerated"; PolyPhen-2: "Possibly Damaging"; Align-GVGD: "Class C0"). This sequence change replaces arginine, which is basic and polar, with tryptophan, which is neutral and slightly polar, at codon 952 of the ITGA7 protein (p.Arg952Trp). This variant is present in population databases (rs758865138, gnomAD 0.02%). This variant has not been reported in the literature in individuals affected with ITGA7-related conditions. ClinVar contains an entry for this variant (Variation ID: 1301294). In summary, the available evidence is currently insufficient to determine the role of this variant in disease. Therefore, it has been classified as a Variant of Uncertain Significance.

GeneDx
Classification: Uncertain significance. Last evaluated: 2021-09-30. Review status: criteria provided, single submitter. Criteria: GeneDx Variant Classification Process June 2021. Collection method: clinical testing. Allele origin: germline. Affected: yes.
Comment: Has not been previously published as pathogenic or benign to our knowledge; In silico analysis supports that this missense variant has a deleterious effect on protein structure/function

NM_002206.3(ITGA7):c.2854C>T (p.Arg952Trp)

Gene: ITGA7 (integrin subunit alpha 7; minus strand). Cytogenetic location: 12q13.2.
Variant type: single nucleotide variant.
Coding change: c.2854C>T on transcript NM_002206.3 (MANE Select); coding-DNA position 2854, C replaced by T.
Protein change: p.Arg952Trp; replaces arginine 952 with tryptophan.
Molecular consequence: missense variant.
Genome position (GRCh38, 1-based): chr12:55,688,948, G>A on the plus strand (C>T on the coding strand, the complement: ITGA7 is on the minus strand). VCF-style: chr12-55688948-G-A. GRCh37 (hg19) VCF-style: chr12-56082732-G-A.
Other names: c.2866C>T, p.Arg956Trp (NM_001144996.2); c.2575C>T, p.Arg859Trp (NM_001144997.2); c.2527C>T, p.Arg843Trp (NM_001367993.1); c.1510C>T, p.Arg504Trp (NM_001367994.1); c.2836C>T, p.Arg946Trp (NM_001374465.1); c.2986C>T, p.Arg996Trp (NM_001410977.1); c.2848C>T, p.Arg950Trp (NM_001414029.1); c.2779C>T, p.Arg927Trp (NM_001414030.1); and 5 more; short protein forms R504W, R843W, R859W, R946W, R952W, R956W, R996W, R839W.
Identifiers: ClinVar variation 1301294 (VCV001301294.6), dbSNP rs758865138, ClinGen allele CA6615430.